The following is an entry in ClinVar:

ClinVar aggregate classification (germline): Conflicting classifications of pathogenicity. Review status: criteria provided, conflicting classifications (1 of 4 stars). 4 submissions from 4 submitters: Uncertain significance (2); Benign (1); Likely benign (1). Last evaluated 2025-11-24.

Conditions:
Coxopodopatellar syndrome. Also called: ISCHIOCOXOPODOPATELLAR SYNDROME WITH OR WITHOUT PULMONARY ARTERIAL HYPERTENSION; Congenital coxa vara, patella aplasia and tarsal synostosis; Small patella syndrome; ISCHIOCOXOPODOPATELLAR SYNDROME; PATELLA APLASIA, COXA VARA, AND TARSAL SYNOSTOSIS; ISCHIOPATELLAR DYSPLASIA. Identifiers: Orphanet 1509, MedGen C1840061, MONDO:0007841, OMIM 147891.
Inborn genetic diseases. Identifiers: MedGen C0950123, MeSH D030342.

Allele frequency attached by ClinVar (database versions not stated): TOPMed 0.00025; ExAC 0.00026; gnomAD exomes 0.00029 and 0.00034; gnomAD 0.00033 and 0.00034; ESP Exome Variant Server 0.00046.
gnomAD v4.1: 537 of 1,613,656 alleles (0.033%); highest among the groups gnomAD compares: Non-Finnish European, 0.04%; no homozygotes.

Submissions (4):

Labcorp Genetics (formerly Invitae), Labcorp
Classification: Uncertain significance. Last evaluated: 2025-11-24. Review status: criteria provided, single submitter. Criteria: Invitae Variant Classification Sherloc (09022015). Collection method: clinical testing. Allele origin: germline.
Comment: This sequence change replaces lysine, which is basic and polar, with asparagine, which is neutral and polar, at codon 133 of the TBX4 protein (p.Lys133Asn). This variant is present in population databases (rs147644451, gnomAD 0.06%). This variant has not been reported in the literature in individuals affected with TBX4-related conditions. ClinVar contains an entry for this variant (Variation ID: 890660). An algorithm developed to predict the effect of missense changes on protein structure and function (PolyPhen-2) suggests that this variant is likely to be tolerated. In summary, the available evidence is currently insufficient to determine the role of this variant in disease. Therefore, it has been classified as a Variant of Uncertain Significance.

Blueprint Genetics
Classification: Likely benign. Last evaluated: 2024-10-17. Review status: criteria provided, single submitter. Criteria: ACMG Guidelines, 2015. Collection method: clinical testing. Allele origin: germline.

Ambry Genetics
Classification: Uncertain significance for Inborn genetic diseases. Last evaluated: 2021-10-22. Review status: criteria provided, single submitter. Criteria: Ambry Variant Classification Scheme 2023. Collection method: clinical testing. Allele origin: germline.

Illumina Laboratory Services, Illumina
Classification: Benign for Coxopodopatellar syndrome. Last evaluated: 2018-03-06. Review status: criteria provided, single submitter. Criteria: ICSL Variant Classification Criteria 13 December 2019. Collection method: clinical testing. Allele origin: germline.
Comment: This variant was observed in the ICSL laboratory as part of a predisposition screen in an ostensibly healthy population. It had not been previously curated by ICSL or reported in the Human Gene Mutation Database (HGMD: prior to June 1st, 2018), and was therefore a candidate for classification through an automated scoring system. Utilizing variant allele frequency, disease prevalence and penetrance estimates, and inheritance mode, an automated score was calculated to assess if this variant is too frequent to cause the disease. Based on the score and internal cut-off values, a variant classified as benign is not then subjected to further curation. The score for this variant resulted in a classification of benign for this disease.

NM_001321120.2(TBX4):c.399A>T (p.Lys133Asn)

Gene: TBX4 (T-box transcription factor 4; plus strand). Cytogenetic location: 17q23.2.
Variant type: single nucleotide variant.
Coding change: c.399A>T on transcript NM_001321120.2 (MANE Select); coding-DNA position 399, A replaced by T.
Protein change: p.Lys133Asn; replaces lysine 133 with asparagine.
Molecular consequence: missense variant.
Genome position (GRCh38, 1-based): chr17:61,465,936, A>T. VCF-style: chr17-61465936-A-T. GRCh37 (hg19) VCF-style: chr17-59543297-A-T.
Other names: c.399A>T, p.Lys133Asn (NM_018488.3); short protein forms K133N.
Identifiers: ClinVar variation 890660 (VCV000890660.10), dbSNP rs147644451, ClinGen allele CA8689805.